The following is an entry in ClinVar:

ClinVar aggregate classification (germline): Uncertain significance (1 of 4 stars; one submission).

Submission:

Labcorp Genetics (formerly Invitae), Labcorp
Classification: Uncertain significance. Last evaluated: 2021-02-19. Review status: criteria provided, single submitter. Criteria: Invitae Variant Classification Sherloc (09022015). Collection method: clinical testing. Allele origin: germline.
Comment: This sequence change creates a premature translational stop signal (p.Ile288Serfs*58) in the MYOC gene. While this is not anticipated to result in nonsense mediated decay, it is expected to disrupt the last 217 amino acid(s) of the MYOC protein. This variant is not present in population databases (ExAC no frequency). This variant has not been reported in the literature in individuals with MYOC-related conditions. In summary, the available evidence is currently insufficient to determine the role of this variant in disease. Therefore, it has been classified as a Variant of Uncertain Significance.

NM_000261.2(MYOC):c.862del (p.Ile288fs)

Gene: MYOC (myocilin; minus strand). Cytogenetic location: 1q24.3.
Variant type: Deletion.
Coding change: c.862del on transcript NM_000261.2 (MANE Select); coding-DNA position 862, one base deleted (A; older notation c.862delA).
Protein change: p.Ile288fs; shifts the reading frame from isoleucine 288.
Molecular consequence: frameshift variant.
Genome position (GRCh38, 1-based): chr1:171,636,578, T deleted on the plus strand (A on the coding strand, the reverse complement: MYOC is on the minus strand); the first of 2 consecutive T bases (chr1:171,636,578-171,636,579); deleting either gives the same sequence. VCF-style (leftmost placement, unchanged base first): chr1-171636577-AT-A. GRCh37 (hg19) VCF-style: chr1-171605717-AT-A.
Other names: short protein forms I288fs.
Identifiers: ClinVar variation 1410620 (VCV001410620.6), dbSNP rs2102944794, ClinGen allele CA2573130590.
Genomic context (GRCh38, chr1:171,636,577, plus strand): 5'-ATAAACTGGCTGATGAGGTCATACTCAAAAACCTGGCGGACATCCGTGCCAACTGTGTCG[AT>A]TCTCCACGTGGTCTCCTGGGTGTAGGGGTAGGTGGGCTTGGGGTCTCGCATCCACACACC-3'